The following is an entry in ClinVar:

NM_001384732.1(CPLANE1):c.4562C>T (p.Pro1521Leu)

Gene: CPLANE1 (ciliogenesis and planar polarity effector complex subunit 1; minus strand). Cytogenetic location: 5p13.2.
Variant type: single nucleotide variant.
Coding change: c.4562C>T on transcript NM_001384732.1 (MANE Select); coding-DNA position 4562, C replaced by T.
Protein change: p.Pro1521Leu; replaces proline 1521 with leucine.
Molecular consequence: missense variant.
Genome position (GRCh38, 1-based): chr5:37,183,619, G>A on the plus strand (C>T on the coding strand, the complement: CPLANE1 is on the minus strand). VCF-style: chr5-37183619-G-A. GRCh37 (hg19) VCF-style: chr5-37183721-G-A.
Other names: c.4562C>T, p.Pro1521Leu (NM_023073.4); short protein forms P1521L.
Identifiers: ClinVar variation 3004432 (VCV003004432.3), dbSNP rs138874486, ClinGen allele CA3238674.
Genomic context (GRCh38, chr5:37,183,619, plus strand): 5'-CAAACACCTATTACAGGAAGTGTATTTTGTGATAACTTTTCATGATCTTCTTTCTTTGTA[G>A]GATTTTCTTTCTGATTACACATTTTCCTTTTATCAGTTGGCTTATGAATTGATGTTAATT-3'
Protein context (NP_001371661.1, residues 1511-1531): KRKMCNQKEN[Pro1521Leu]TKKEDHEKLS

ClinVar aggregate classification (germline): Uncertain significance (1 of 4 stars; one submission).

Allele frequency attached by ClinVar (database versions not stated): TOPMed below 0.00001; ExAC 0.00001; gnomAD 0.00001; gnomAD exomes 0.00001; 1000 Genomes Project 0.00020; 1000 Genomes Project 30x 0.00031.
gnomAD v4.1: 11 of 1,612,056 alleles (0.00068%); highest among the groups gnomAD compares: African/African-American, 0.004%; 1 homozygote.

Submission:

Labcorp Genetics (formerly Invitae), Labcorp
Classification: Uncertain significance. Last evaluated: 2023-05-15. Review status: criteria provided, single submitter. Criteria: Invitae Variant Classification Sherloc (09022015). Collection method: clinical testing. Allele origin: germline.
Comment: In summary, the available evidence is currently insufficient to determine the role of this variant in disease. Therefore, it has been classified as a Variant of Uncertain Significance. Advanced modeling of protein sequence and biophysical properties (such as structural, functional, and spatial information, amino acid conservation, physicochemical variation, residue mobility, and thermodynamic stability) performed at Invitae indicates that this missense variant is not expected to disrupt CPLANE1 protein function. This variant has not been reported in the literature in individuals affected with CPLANE1-related conditions. This variant is present in population databases (rs138874486, gnomAD 0.007%). This sequence change replaces proline, which is neutral and non-polar, with leucine, which is neutral and non-polar, at codon 1521 of the CPLANE1 protein (p.Pro1521Leu).